The following is an entry in ClinVar:

NM_015559.3(SETBP1):c.2321C>A (p.Ala774Glu)

Gene: SETBP1 (SET binding protein 1; plus strand). Cytogenetic location: 18q12.3.
Variant type: single nucleotide variant.
Coding change: c.2321C>A on transcript NM_015559.3 (MANE Select); coding-DNA position 2321, C replaced by A.
Protein change: p.Ala774Glu; replaces alanine 774 with glutamic acid.
Molecular consequence: missense variant.
Genome position (GRCh38, 1-based): chr18:44,951,661, C>A. VCF-style: chr18-44951661-C-A. GRCh37 (hg19) VCF-style: chr18-42531626-C-A.
Other names: c.2321C>A, p.Ala774Glu (NM_001379141.1, NM_001379142.1, NM_001410862.1); short protein forms A774E.
Identifiers: ClinVar variation 3656693 (VCV003656693.2).

ClinVar aggregate classification (germline): Uncertain significance (1 of 4 stars; one submission).

Submission:

Labcorp Genetics (formerly Invitae), Labcorp
Classification: Uncertain significance. Last evaluated: 2024-06-15. Review status: criteria provided, single submitter. Criteria: Invitae Variant Classification Sherloc (09022015). Collection method: clinical testing. Allele origin: germline.
Comment: This sequence change replaces alanine, which is neutral and non-polar, with glutamic acid, which is acidic and polar, at codon 774 of the SETBP1 protein (p.Ala774Glu). This variant is not present in population databases (gnomAD no frequency). This variant has not been reported in the literature in individuals affected with SETBP1-related conditions. Advanced modeling of protein sequence and biophysical properties (such as structural, functional, and spatial information, amino acid conservation, physicochemical variation, residue mobility, and thermodynamic stability) performed at Invitae indicates that this missense variant is not expected to disrupt SETBP1 protein function with a negative predictive value of 80%. In summary, the available evidence is currently insufficient to determine the role of this variant in disease. Therefore, it has been classified as a Variant of Uncertain Significance.